The following is an entry in ClinVar:

ClinVar aggregate classification (germline): Conflicting classifications of pathogenicity. Review status: criteria provided, conflicting classifications (1 of 4 stars). 5 submissions from 5 submitters: Uncertain significance (2); Likely benign (3). Last evaluated 2024-08-13.

Conditions:
Hereditary cancer-predisposing syndrome. Also called: Neoplastic Syndromes, Hereditary; Tumor predisposition; Hereditary Cancer Syndrome; Hereditary neoplastic syndrome. Identifiers: Orphanet 140162, MedGen C0027672, MeSH D009386, MONDO:0015356.
Familial adenomatous polyposis 2. Also called: Adenomas, multiple colorectal; COLORECTAL ADENOMATOUS POLYPOSIS, AUTOSOMAL RECESSIVE; ADENOMAS, MULTIPLE COLORECTAL, AUTOSOMAL RECESSIVE; MYH-associated polyposis; MUTYH Polyposis; FAP type 2. Identifiers: Orphanet 220460, Orphanet 247798, MedGen C3272841, MONDO:0012041, OMIM 608456.

Allele frequency attached by ClinVar (database versions not stated): gnomAD exomes below 0.00001; TOPMed below 0.00001; ExAC 0.00001; gnomAD 0.00001 and 0.00002; ESP Exome Variant Server 0.00008.

Submissions (5):

All of Us Research Program, National Institutes of Health
Classification: Uncertain significance for Familial adenomatous polyposis 2. Last evaluated: 2024-08-13. Review status: criteria provided, single submitter. Criteria: ACMG Guidelines, 2015. Collection method: clinical testing. Allele origin: germline. Inheritance: Autosomal recessive inheritance. Observed: 3 variant alleles, 3 heterozygotes.
Comment: This variant causes a G to A nucleotide substitution at the +3 position of intron 5 of the MUTYH gene. To our knowledge, functional studies have not been reported for this variant. This variant has not been reported in individuals affected with MUTYH-related disorders in the literature. This variant has been identified in 1/246256 chromosomes in the general population by the Genome Aggregation Database (gnomAD). The available evidence is insufficient to determine the role of this variant in disease conclusively. Therefore, this variant is classified as a Variant of Uncertain Significance.

This study involves interpretation of variants in research participants for the purpose of population health screening. Participant phenotype was not available at the time of variant classification. Additional details can be found in publication PMID: 35346344, PMCID: PMC8962531

Labcorp Genetics (formerly Invitae), Labcorp
Classification: Likely benign for Familial adenomatous polyposis 2. Last evaluated: 2024-01-30. Review status: criteria provided, single submitter. Criteria: Invitae Variant Classification Sherloc (09022015). Collection method: clinical testing. Allele origin: germline.

Color Diagnostics, LLC DBA Color Health
Classification: Uncertain significance for Hereditary cancer-predisposing syndrome. Last evaluated: 2023-01-05. Review status: criteria provided, single submitter. Criteria: ACMG Guidelines, 2015. Collection method: clinical testing. Allele origin: germline.
Comment: This variant causes a G to A nucleotide substitution at the +3 position of intron 5 of the MUTYH gene. To our knowledge, functional studies have not been reported for this variant. This variant has not been reported in individuals affected with MUTYH-related disorders in the literature. This variant has been identified in 1/246256 chromosomes in the general population by the Genome Aggregation Database (gnomAD). The available evidence is insufficient to determine the role of this variant in disease conclusively. Therefore, this variant is classified as a Variant of Uncertain Significance.

Ambry Genetics
Classification: Likely benign for Hereditary cancer-predisposing syndrome. Last evaluated: 2021-10-29. Review status: criteria provided, single submitter. Criteria: Ambry Variant Classification Scheme 2023. Collection method: clinical testing. Allele origin: germline.

GeneDx
Classification: Likely benign. Last evaluated: 2020-02-18. Review status: criteria provided, single submitter. Criteria: GeneDx Variant Classification Process June 2021. Collection method: clinical testing. Allele origin: germline. Affected: yes.
Comment: Not observed in large population cohorts (Lek et al., 2016); Has not been previously published as pathogenic or benign to our knowledge

NM_001048174.2(MUTYH):c.378+3G>A

Gene: MUTYH (mutY DNA glycosylase; minus strand). Cytogenetic location: 1p34.1.
Variant type: single nucleotide variant.
Coding change: c.378+3G>A on transcript NM_001048174.2 (MANE Select); 3 bases into the intron after coding-DNA position 378, G replaced by A.
Molecular consequence: intron variant.
Genome position (GRCh38, 1-based): chr1:45,333,094, C>T on the plus strand (G>A on the coding strand, the complement: MUTYH is on the minus strand). VCF-style: chr1-45333094-C-T. GRCh37 (hg19) VCF-style: chr1-45798766-C-T.
Other names: c.34-135G>A (NM_001350651.2, NM_001350650.2); c.102+3G>A (NM_001293192.2, NM_001293196.2); c.378+3G>A (NM_001048171.2, NM_001048173.2, NM_001293195.2); c.423+3G>A (NM_001293190.2); c.453+3G>A (NM_012222.3); c.462+3G>A (NM_001128425.2); c.381+3G>A (NM_001048172.2); c.411+3G>A (NM_001293191.2).
Identifiers: ClinVar variation 185648 (VCV000185648.15), dbSNP rs373939052, ClinGen allele CA013611.